The following is an entry in ClinVar:

NM_001080467.3(MYO5B):c.3944+8C>T

Gene: MYO5B (myosin VB; minus strand). Cytogenetic location: 18q21.1.
Variant type: single nucleotide variant.
Coding change: c.3944+8C>T on transcript NM_001080467.3 (MANE Select); 8 bases into the intron after coding-DNA position 3944, C replaced by T.
Molecular consequence: intron variant.
Genome position (GRCh38, 1-based): chr18:49,863,219, G>A on the plus strand (C>T on the coding strand, the complement: MYO5B is on the minus strand). VCF-style: chr18-49863219-G-A. GRCh37 (hg19) VCF-style: chr18-47389589-G-A.
Other names: c.3944+8C>T (NM_001080467.2).
Identifiers: ClinVar variation 2081137 (VCV002081137.7), dbSNP rs200913462, ClinGen allele CA8960533.

ClinVar aggregate classification (germline): Likely benign. Review status: criteria provided, multiple submitters, no conflicts (2 of 4 stars). 3 submissions from 3 submitters: Likely benign (2). 1 of the submissions does not count toward it. Last evaluated 2025-07-06.

Conditions:
MYO5B-related disorder. Also called: MYO5B-related condition.

Allele frequency attached by ClinVar (database versions not stated): gnomAD exomes 0.00005; ExAC 0.00007; 1000 Genomes Project 30x 0.00016; gnomAD 0.00017; TOPMed 0.00017; 1000 Genomes Project 0.00020; ESP Exome Variant Server 0.00033.
gnomAD v4.1: 105 of 1,609,866 alleles (0.0065%); highest among the groups gnomAD compares: African/African-American, 0.044%; no homozygotes.

Submissions (3):

Labcorp Genetics (formerly Invitae), Labcorp
Classification: Likely benign. Last evaluated: 2025-07-06. Review status: criteria provided, single submitter. Criteria: Invitae Variant Classification Sherloc (09022015). Collection method: clinical testing. Allele origin: germline.

Blueprint Genetics
Classification: Likely benign. Last evaluated: 2024-10-09. Review status: criteria provided, single submitter. Criteria: ACMG Guidelines, 2015. Collection method: clinical testing. Allele origin: germline.

PreventionGenetics, part of Exact Sciences
Classification: Likely benign for MYO5B-related condition. Last evaluated: 2021-04-20. Review status: no assertion criteria provided. Collection method: clinical testing. Allele origin: germline. Not counted in ClinVar's aggregate classification.
Comment: This variant is classified as likely benign based on ACMG/AMP sequence variant interpretation guidelines (Richards et al. 2015 PMID: 25741868, with internal and published modifications).